The following is an entry in ClinVar:

NM_130384.3(ATRIP):c.20C>G (p.Pro7Arg)

Genes: ATRIP (ATR interacting protein; plus strand), ATRIP-TREX1 (ATRIP-TREX1 readthrough; plus strand), LOC129936703 (ATAC-STARR-seq lymphoblastoid silent region 14331; plus strand). Cytogenetic location: 3p21.31.
Variant type: single nucleotide variant.
Coding change: c.20C>G on transcript NM_130384.3 (MANE Select); coding-DNA position 20, C replaced by G.
Protein change: p.Pro7Arg; replaces proline 7 with arginine.
Molecular consequence: missense variant. On other transcripts: non-coding transcript variant (1), intron variant (1).
Genome position (GRCh38, 1-based): chr3:48,446,865, C>G. VCF-style: chr3-48446865-C-G. GRCh37 (hg19) VCF-style: chr3-48488269-C-G.
Other names: c.20C>G, p.Pro7Arg (NM_032166.4); c.-218+66C>G (NM_001271022.2); short protein forms P7R.
Identifiers: ClinVar variation 4181867 (VCV004181867.1).

ClinVar aggregate classification (germline): Uncertain significance (1 of 4 stars; one submission).

gnomAD v4.1: 2 of 1,402,510 alleles (0.00014%); highest among the groups gnomAD compares: Non-Finnish European, 0.000093%; no homozygotes.

Submission:

Ambry Genetics
Classification: Uncertain significance. Last evaluated: 2025-06-23. Review status: criteria provided, single submitter. Criteria: Ambry Variant Classification Scheme 2023. Collection method: clinical testing. Allele origin: germline.
Comment: The p.P7R variant (also known as c.20C>G), located in coding exon 1 of the ATRIP gene, results from a C to G substitution at nucleotide position 20. The proline at codon 7 is replaced by arginine, an amino acid with dissimilar properties. This amino acid position is conserved. In addition, this alteration is predicted to be tolerated by in silico analysis. Based on the available evidence, the clinical significance of this variant remains unclear.